The following is an entry in ClinVar:

ClinVar aggregate classification (germline): Uncertain significance (1 of 4 stars; one submission).

Conditions:
3-methylcrotonyl-CoA carboxylase 2 deficiency. Also called: METHYLCROTONYLGLYCINURIA, TYPE II; 3 alpha methylcrotonyl-CoA carboxylase 2 deficiency; 3 alpha methylcrotonylglycinuria 2; MCC 2 deficiency; Methylcrotonylglycinuria type 2. Identifiers: Orphanet 6, MedGen C1859499, MONDO:0008862, OMIM 210210.

Allele frequency attached by ClinVar (database versions not stated): gnomAD exomes 0.00001.
gnomAD v4.1: 4 of 1,614,202 alleles (0.00025%); highest among the groups gnomAD compares: Non-Finnish European, 0.00034%; no homozygotes.

Submission:

Labcorp Genetics (formerly Invitae), Labcorp
Classification: Uncertain significance for 3-methylcrotonyl-CoA carboxylase 2 deficiency. Last evaluated: 2021-08-12. Review status: criteria provided, single submitter. Criteria: Invitae Variant Classification Sherloc (09022015). Collection method: clinical testing. Allele origin: germline.
Comment: This sequence change replaces tyrosine with aspartic acid at codon 146 of the MCCC2 protein (p.Tyr146Asp). The tyrosine residue is highly conserved and there is a large physicochemical difference between tyrosine and aspartic acid. This variant is not present in population databases (ExAC no frequency). This variant has not been reported in the literature in individuals affected with MCCC2-related conditions. Algorithms developed to predict the effect of missense changes on protein structure and function (SIFT, PolyPhen-2, Align-GVGD) all suggest that this variant is likely to be disruptive. In summary, the available evidence is currently insufficient to determine the role of this variant in disease. Therefore, it has been classified as a Variant of Uncertain Significance.

NM_022132.5(MCCC2):c.436T>G (p.Tyr146Asp)

Gene: MCCC2 (methylcrotonyl-CoA carboxylase subunit 2; plus strand). Cytogenetic location: 5q13.2.
Variant type: single nucleotide variant.
Coding change: c.436T>G on transcript NM_022132.5 (MANE Select); coding-DNA position 436, T replaced by G.
Protein change: p.Tyr146Asp; replaces tyrosine 146 with aspartic acid.
Molecular consequence: missense variant.
Genome position (GRCh38, 1-based): chr5:71,602,558, T>G. VCF-style: chr5-71602558-T-G. GRCh37 (hg19) VCF-style: chr5-70898385-T-G.
Other names: c.436T>G, p.Tyr146Asp (NM_001363147.1); short protein forms Y146D.
Identifiers: ClinVar variation 535826 (VCV000535826.3), dbSNP rs1402663229, ClinGen allele CA360010566.